The following is an entry in ClinVar:

NM_000329.3(RPE65):c.909dup (p.Tyr304fs)

Gene: RPE65 (retinoid isomerohydrolase RPE65; minus strand). Cytogenetic location: 1p31.3.
Variant type: Duplication.
Coding change: c.909dup on transcript NM_000329.3 (MANE Select); coding-DNA position 909, one base duplicated (A; older notation c.909dupA).
Protein change: p.Tyr304fs; shifts the reading frame from tyrosine 304.
Molecular consequence: frameshift variant.
Genome position (GRCh38, 1-based): chr1:68,439,031, T duplicated on the plus strand (A on the coding strand, the reverse complement: RPE65 is on the minus strand); the first of 3 consecutive T bases (chr1:68,439,031-68,439,033); duplicating any one gives the same sequence. VCF-style (leftmost placement, unchanged base first): chr1-68439030-A-AT. GRCh37 (hg19) VCF-style: chr1-68904713-A-AT.
Other names: c.801dup, p.Tyr268fs (NM_001406853.1); c.633dup, p.Tyr212fs (NM_001406856.1, NM_001406857.1); c.909dup, p.Tyr304fs (NM_001406859.1); short protein forms Y212fs, Y268fs, Y304fs.
Identifiers: ClinVar variation 5012434 (VCV005012434.1).

ClinVar aggregate classification (germline): Pathogenic (1 of 4 stars; one submission).

Conditions:
RPE65-related recessive retinopathy. Also called: Recessive RPE65 retinopathy. Identifiers: MedGen CN305526, MONDO:0100368.

Submission:

Myriad Genetics, Inc.
Classification: Pathogenic for RPE65-related recessive retinopathy. Last evaluated: 2023-10-26. Review status: criteria provided, single submitter. Criteria: Myriad Autosomal Dominant, Autosomal Recessive and X-Linked Classification Criteria (2023). Collection method: clinical testing. Allele origin: unknown.
Comment: NM_000329.2(RPE65):c.909dupA(Y304Ifs*16) is expected to be pathogenic in the context of inherited retinal dystrophy, RPE65-related. This variant is predicted to lead to an abnormal or absent protein product due to the creation of a premature termination codon in RPE65, a gene where loss-of-function variants are known to be pathogenic. Please note: this variant was assessed in the context of healthy population screening.